The following is an entry in ClinVar:

ClinVar aggregate classification (germline): Uncertain significance. Review status: criteria provided, multiple submitters, no conflicts (2 of 4 stars). 2 submissions from 2 submitters: Uncertain significance (2). Last evaluated 2024-10-01.

Conditions:
Primary ciliary dyskinesia. Also called: Ciliary dyskinesia. Identifiers: Orphanet 244, MedGen C0008780, MONDO:0016575, HP:0012265.

Allele frequency attached by ClinVar (database versions not stated): 1000 Genomes Project 30x 0.00016; TOPMed 0.00002.
gnomAD v4.1: 24 of 1,584,624 alleles (0.0015%); highest among the groups gnomAD compares: Admixed American, 0.011%; no homozygotes.

Submissions (2):

Ambry Genetics
Classification: Uncertain significance for Primary ciliary dyskinesia. Last evaluated: 2024-10-01. Review status: criteria provided, single submitter. Criteria: Ambry Variant Classification Scheme 2023. Collection method: clinical testing. Allele origin: germline.

Labcorp Genetics (formerly Invitae), Labcorp
Classification: Uncertain significance for Primary ciliary dyskinesia. Last evaluated: 2022-08-05. Review status: criteria provided, single submitter. Criteria: Invitae Variant Classification Sherloc (09022015). Collection method: clinical testing. Allele origin: germline.
Comment: This sequence change replaces aspartic acid, which is acidic and polar, with glutamic acid, which is acidic and polar, at codon 99 of the CCDC39 protein (p.Asp99Glu). This variant is present in population databases (rs763798585, gnomAD 0.005%). This variant has not been reported in the literature in individuals affected with CCDC39-related conditions. ClinVar contains an entry for this variant (Variation ID: 646484). Algorithms developed to predict the effect of missense changes on protein structure and function output the following: SIFT: "Tolerated"; PolyPhen-2: "Benign"; Align-GVGD: "Class C0". The glutamic acid amino acid residue is found in multiple mammalian species, which suggests that this missense change does not adversely affect protein function. In summary, the available evidence is currently insufficient to determine the role of this variant in disease. Therefore, it has been classified as a Variant of Uncertain Significance.

NM_181426.2(CCDC39):c.297T>G (p.Asp99Glu)

Gene: CCDC39 (coiled-coil domain 39 molecular ruler complex subunit; minus strand). Cytogenetic location: 3q26.33.
Variant type: single nucleotide variant.
Coding change: c.297T>G on transcript NM_181426.2 (MANE Select); coding-DNA position 297, T replaced by G.
Protein change: p.Asp99Glu; replaces aspartic acid 99 with glutamic acid.
Molecular consequence: missense variant.
Genome position (GRCh38, 1-based): chr3:180,661,921, A>C on the plus strand (T>G on the coding strand, the complement: CCDC39 is on the minus strand). VCF-style: chr3-180661921-A-C. GRCh37 (hg19) VCF-style: chr3-180379709-A-C.
Other names: short protein forms D99E.
Identifiers: ClinVar variation 646484 (VCV000646484.7), dbSNP rs763798585, ClinGen allele CA2716204.
Genomic context (GRCh38, chr3:180,661,921, plus strand): 5'-TTCTTTATCACTTTTCTTTTCCAGTATTGAAGCCATCTCATTTTCCAGCCGTTGAATTTC[A>C]TCTTTCACTCGTCCCAATTCTCTTTGAGCAATGGCCTTAAAATGTTCTTCACTTTCAGTC-3'
Protein context (NP_852091.1, residues 89-109): IAQRELGRVK[Asp99Glu]EIQRLENEMA